The following is an entry in ClinVar:

NM_020297.4(ABCC9):c.1295C>T (p.Pro432Leu)

Gene: ABCC9 (ATP binding cassette subfamily C member 9; minus strand). Cytogenetic location: 12p12.1.
Variant type: single nucleotide variant.
Coding change: c.1295C>T on transcript NM_020297.4 (MANE Select); coding-DNA position 1295, C replaced by T.
Protein change: p.Pro432Leu; replaces proline 432 with leucine.
Molecular consequence: missense variant.
Genome position (GRCh38, 1-based): chr12:21,910,182, G>A on the plus strand (C>T on the coding strand, the complement: ABCC9 is on the minus strand). VCF-style: chr12-21910182-G-A. GRCh37 (hg19) VCF-style: chr12-22063116-G-A.
Other names: c.1295C>T, p.Pro432Leu (NM_001377273.1, NM_005691.4); c.431C>T, p.Pro144Leu (NM_001377274.1); short protein forms P144L, P432L.
Identifiers: ClinVar variation 4879195 (VCV004879195.1).

ClinVar aggregate classification (germline): Pathogenic (1 of 4 stars; one submission).

Conditions:
Hypertrichotic osteochondrodysplasia Cantu type. Also called: Cantú Syndrome; Cantu Syndrome. Identifiers: Orphanet 1517, MedGen C0795905, MONDO:0009406, OMIM 239850.

Submission:

Keimyung University Dongsan Hospital, Keimyung University School of Medicine
Classification: Pathogenic for Hypertrichotic osteochondrodysplasia Cantu type. Last evaluated: 2026-07-25. Review status: criteria provided, single submitter. Criteria: ACMG Guidelines, 2015. Collection method: clinical testing. Allele origin: de novo. Inheritance: Autosomal dominant inheritance. Affected: yes.
Comment: The variant was absent from population databases. The same variant has previously been reported in an individual with Cantú syndrome. Functional studies of the equivalent SUR2 mutation demonstrated increased KATP channel activity and enhanced MgADP-dependent activation, consistent with the established gain-of-function disease mechanism. Based on de novo occurrence, prior affected observations, functional evidence, population rarity, and phenotype specificity, this variant was classified as pathogenic.

Literature cited by the submitters: DOI 10.1177/08830738261469309; PubMed 26621776; PubMed 22610116.